The following is an entry in ClinVar:

NM_182914.3(SYNE2):c.12510A>G (p.Ile4170Met)

Gene: SYNE2 (spectrin repeat containing nuclear envelope protein 2; plus strand). Cytogenetic location: 14q23.2.
Variant type: single nucleotide variant.
Coding change: c.12510A>G on transcript NM_182914.3 (MANE Select); coding-DNA position 12510, A replaced by G.
Protein change: p.Ile4170Met; replaces isoleucine 4170 with methionine.
Molecular consequence: missense variant.
Genome position (GRCh38, 1-based): chr14:64,107,508, A>G. VCF-style: chr14-64107508-A-G. GRCh37 (hg19) VCF-style: chr14-64574226-A-G.
Other names: c.12510A>G, p.Ile4170Met (NM_015180.6); short protein forms I4170M.
Identifiers: ClinVar variation 834538 (VCV000834538.10), dbSNP rs200113549, ClinGen allele CA7222182.
Genomic context (GRCh38, chr14:64,107,508, plus strand): 5'-CAGGGCAGGACCCTTTCTGGAGCTCTGATTCTTTTCTTTACAGGAAGCATATGGGAAAAT[A>G]AGCACCTCTGATAATTCCATGGCACAAATCCTCACACCAGACTCACTAAACACTGAGCAA-3'
Protein context (NP_878918.2, residues 4160-4180): GTIVQEAYGK[Ile4170Met]STSDNSMAQI

ClinVar aggregate classification (germline): Uncertain significance (1 of 4 stars; one submission).

Conditions:
Emery-Dreifuss muscular dystrophy 5, autosomal dominant (EDMD5). Also called: EMERY-DREIFUSS MUSCULAR DYSTROPHY 5. Identifiers: Orphanet 261, MedGen C2751805, MONDO:0013072, OMIM 612999.

Allele frequency attached by ClinVar (database versions not stated): gnomAD exomes below 0.00001; TOPMed below 0.00001; ExAC 0.00001; gnomAD 0.00001; 1000 Genomes Project 30x 0.00016; 1000 Genomes Project 0.00020.
gnomAD v4.1: 4 of 1,614,136 alleles (0.00025%); highest among the groups gnomAD compares: East Asian, 0.0089%; no homozygotes.

Submission:

Labcorp Genetics (formerly Invitae), Labcorp
Classification: Uncertain significance for Emery-Dreifuss muscular dystrophy 5, autosomal dominant. Last evaluated: 2022-07-05. Review status: criteria provided, single submitter. Criteria: Invitae Variant Classification Sherloc (09022015). Collection method: clinical testing. Allele origin: germline.
Comment: This sequence change replaces isoleucine, which is neutral and non-polar, with methionine, which is neutral and non-polar, at codon 4170 of the SYNE2 protein (p.Ile4170Met). This variant is present in population databases (rs200113549, gnomAD 0.01%). This variant has not been reported in the literature in individuals affected with SYNE2-related conditions. ClinVar contains an entry for this variant (Variation ID: 834538). Algorithms developed to predict the effect of missense changes on protein structure and function output the following: SIFT: "Tolerated"; PolyPhen-2: "Possibly Damaging"; Align-GVGD: "Class C0". The methionine amino acid residue is found in multiple mammalian species, which suggests that this missense change does not adversely affect protein function. In summary, the available evidence is currently insufficient to determine the role of this variant in disease. Therefore, it has been classified as a Variant of Uncertain Significance.